The following is an entry in ClinVar:

ClinVar aggregate classification (germline): Pathogenic (1 of 4 stars; one submission).

Conditions:
Niemann-Pick disease, type B. Also called: Chronic Visceral ASMD (Niemann-Pick Disease Type B; NPD-B). Identifiers: Orphanet 77293, MedGen C0268243, MONDO:0011871, OMIM 607616. Disease mechanism: loss of function.
Niemann-Pick disease, type A. Also called: SPHINGOMYELIN LIPIDOSIS; SPHINGOMYELINASE DEFICIENCY; Infantile Neurovisceral ASMD (Niemann-Pick Disease Type A; NPD-A). Identifiers: Orphanet 77292, MedGen C0268242, MONDO:0009756, OMIM 257200. Disease mechanism: loss of function.

Submission:

Labcorp Genetics (formerly Invitae), Labcorp
Classification: Pathogenic for Niemann-Pick disease, type B; Niemann-Pick disease, type A. Last evaluated: 2024-01-22. Review status: criteria provided, single submitter. Criteria: Invitae Variant Classification Sherloc (09022015). Collection method: clinical testing. Allele origin: germline.
Comment: This sequence change creates a premature translational stop signal (p.Leu124Glnfs*22) in the SMPD1 gene. It is expected to result in an absent or disrupted protein product. Loss-of-function variants in SMPD1 are known to be pathogenic (PMID: 12369017, 15221801). This variant is not present in population databases (gnomAD no frequency). This variant has not been reported in the literature in individuals affected with SMPD1-related conditions. For these reasons, this variant has been classified as Pathogenic.

Literature cited by the submitters: PubMed 12369017; PubMed 15221801.

NM_000543.5(SMPD1):c.358_370dup (p.Leu124fs)

Gene: SMPD1 (sphingomyelin phosphodiesterase 1; plus strand). Cytogenetic location: 11p15.4.
Variant type: Duplication.
Coding change: c.358_370dup on transcript NM_000543.5 (MANE Select); coding-DNA positions 358 to 370, 13 bases duplicated (AAGCTGTGCAATC).
Protein change: p.Leu124fs; shifts the reading frame from leucine 124.
Molecular consequence: frameshift variant. On other transcripts: 5 prime UTR variant (1), non-coding transcript variant (2).
Genome position (GRCh38, 1-based): chr11:6,391,423-6,391,435, AAGCTGTGCAATC duplicated; duplicating any 13 consecutive bases within chr11:6,391,420-6,391,435 gives the same sequence; the c. name uses the placement nearest the transcript's 3' end. VCF-style (leftmost placement, unchanged base first): chr11-6391419-C-CATCAAGCTGTGCA. GRCh37 (hg19) VCF-style: chr11-6412649-C-CATCAAGCTGTGCA.
Other names: c.355_367dup, p.Leu123fs (NM_001007593.3); c.358_370dup, p.Leu124fs (NM_001318087.2, NM_001365135.2); c.-604_-592dup (NM_001318088.2); short protein forms L123fs, L124fs.
Identifiers: ClinVar variation 2925745 (VCV002925745.3), dbSNP rs2493803501, ClinGen allele CA2740093600.
Genomic context (GRCh38, chr11:6,391,419, plus strand): 5'-TCACCATGCGCTCCTCCCACTGCAGAAGGAACCCAATGTGGCTCGCGTGGGCTCCGTGGC[C>CATCAAGCTGTGCA]ATCAAGCTGTGCAATCTGCTGAAGATAGCACCACCTGCCGTGTGCCAATCCATTGTCCAC-3'